The following is an entry in ClinVar:

ClinVar aggregate classification (germline): Uncertain significance (1 of 4 stars; one submission).

Conditions:
Tay-Sachs disease (TSD). Also called: GM2 gangliosidosis, type 1; Hexosaminidase alpha-subunit deficiency (variant B); Sphingolipidosis, Tay-Sachs; Hexosaminidase A Deficiency; HEXA DEFICIENCY; HEXA Disorders. Identifiers: Orphanet 845, MedGen C0039373, MONDO:0010100, OMIM 272800.

gnomAD v4.1: 1 of 1,613,780 alleles (0.000062%); highest among the groups gnomAD compares: East Asian, 0.0022%; no homozygotes.

Submission:

Labcorp Genetics (formerly Invitae), Labcorp
Classification: Uncertain significance for Tay-Sachs disease. Last evaluated: 2018-04-12. Review status: criteria provided, single submitter. Criteria: Invitae Variant Classification Sherloc (09022015). Collection method: clinical testing. Allele origin: germline.
Comment: This sequence change replaces glycine with valine at codon 511 of the HEXA protein (p.Gly511Val). The glycine residue is highly conserved and there is a moderate physicochemical difference between glycine and valine. This variant is not present in population databases (ExAC no frequency). This variant has not been reported in the literature in individuals with HEXA-related disease. Algorithms developed to predict the effect of missense changes on protein structure and function do not agree on the potential impact of this missense change (SIFT: "Deleterious"; PolyPhen-2: "Probably Damaging"; Align-GVGD: "Class C0"). In summary, the available evidence is currently insufficient to determine the role of this variant in disease. Therefore, it has been classified as a Variant of Uncertain Significance.

NM_000520.6(HEXA):c.1532G>T (p.Gly511Val)

Gene: HEXA (hexosaminidase subunit alpha; minus strand). Cytogenetic location: 15q23.
Variant type: single nucleotide variant.
Coding change: c.1532G>T on transcript NM_000520.6 (MANE Select); coding-DNA position 1532, G replaced by T.
Protein change: p.Gly511Val; replaces glycine 511 with valine.
Molecular consequence: missense variant.
Genome position (GRCh38, 1-based): chr15:72,344,135, C>A on the plus strand (G>T on the coding strand, the complement: HEXA is on the minus strand). VCF-style: chr15-72344135-C-A. GRCh37 (hg19) VCF-style: chr15-72636476-C-A.
Other names: c.1565G>T, p.Gly522Val (NM_001318825.2); short protein forms G511V, G522V.
Identifiers: ClinVar variation 2168831 (VCV002168831.1), dbSNP rs1448744870, ClinGen allele CA393057547.
Genomic context (GRCh38, chr15:72,344,135, plus strand): 5'-GCTCAGGTCTGTTCAAACTCCTGCTCACAGAAGCCTACATTGAGGGGTTGGGCCTGGACA[C>A]CTCGCCTGCAAGAGGACATGAAGAAATGGCAAGATAAGCCCCTCAGAAGGGGCCCCAGCA-3'
Protein context (NP_000511.2, residues 501-521): SHFRCELLRR[Gly511Val]VQAQPLNVGF